The following is an entry in ClinVar:

NM_006231.4(POLE):c.4500C>G (p.Phe1500Leu)

Gene: POLE (DNA polymerase epsilon, catalytic subunit; minus strand). Cytogenetic location: 12q24.33.
Variant type: single nucleotide variant.
Coding change: c.4500C>G on transcript NM_006231.4 (MANE Select); coding-DNA position 4500, C replaced by G.
Protein change: p.Phe1500Leu; replaces phenylalanine 1500 with leucine.
Molecular consequence: missense variant.
Genome position (GRCh38, 1-based): chr12:132,643,275, G>C on the plus strand (C>G on the coding strand, the complement: POLE is on the minus strand). VCF-style: chr12-132643275-G-C. GRCh37 (hg19) VCF-style: chr12-133219861-G-C.
Other names: c.4500C>G (NM_006231.2); short protein forms F1500L.
Identifiers: ClinVar variation 405589 (VCV000405589.15), dbSNP rs370543622, ClinGen allele CA16613577.
Genomic context (GRCh38, chr12:132,643,275, plus strand): 5'-AGGACTCACAGTGTCCAGCACAAAGACGGATGCCCTGCGCTGTGAGGGGATGAAGATCCC[G>C]AAGAGCGCTTTGTGGGCCTGTGCGTGGTGGTACAGGTAGATATGGCGGATACTCCCTGGA-3'
Protein context (NP_006222.2, residues 1490-1510): YHHAQAHKAL[Phe1500Leu]GIFIPSQRRA

ClinVar aggregate classification (germline): Conflicting classifications of pathogenicity. Review status: criteria provided, conflicting classifications (1 of 4 stars). 3 submissions from 3 submitters: Uncertain significance (2); Likely benign (1). Last evaluated 2026-02-02.

Conditions:
Hereditary cancer-predisposing syndrome. Also called: Hereditary Cancer Syndrome; Hereditary neoplastic syndrome; Neoplastic Syndromes, Hereditary; Tumor predisposition. Identifiers: Orphanet 140162, MedGen C0027672, MeSH D009386, MONDO:0015356.

Allele frequency attached by ClinVar (database versions not stated): TOPMed 0.00001; ESP Exome Variant Server 0.00008.

Submissions (3):

Labcorp Genetics (formerly Invitae), Labcorp
Classification: Uncertain significance. Last evaluated: 2026-02-02. Review status: criteria provided, single submitter. Criteria: Invitae Variant Classification Sherloc (09022015). Collection method: clinical testing. Allele origin: germline.
Comment: This sequence change replaces phenylalanine, which is neutral and non-polar, with leucine, which is neutral and non-polar, at codon 1500 of the POLE protein (p.Phe1500Leu). This variant is present in population databases (rs370543622, gnomAD 0.003%). This variant has not been reported in the literature in individuals affected with POLE-related conditions. ClinVar contains an entry for this variant (Variation ID: 405589). Invitae Evidence Modeling of protein sequence and biophysical properties (such as structural, functional, and spatial information, amino acid conservation, physicochemical variation, residue mobility, and thermodynamic stability) indicates that this missense variant is not expected to disrupt POLE protein function with a negative predictive value of 80%. In summary, the available evidence is currently insufficient to determine the role of this variant in disease. Therefore, it has been classified as a Variant of Uncertain Significance.

Ambry Genetics
Classification: Likely benign for Hereditary cancer-predisposing syndrome. Last evaluated: 2024-12-12. Review status: criteria provided, single submitter. Criteria: Ambry Variant Classification Scheme 2023. Collection method: clinical testing. Allele origin: germline.

GeneDx
Classification: Uncertain significance. Last evaluated: 2024-02-16. Review status: criteria provided, single submitter. Criteria: GeneDx Variant Classification Process June 2021. Collection method: clinical testing. Allele origin: germline. Affected: yes.
Comment: Not observed at significant frequency in large population cohorts (gnomAD); In silico analysis supports that this missense variant has a deleterious effect on protein structure/function; Has not been previously published as pathogenic or benign to our knowledge